The following is an entry in ClinVar:

NM_000642.3(AGL):c.1423+1G>T

Gene: AGL (amylo-alpha-1,6-glucosidase and 4-alpha-glucanotransferase; plus strand). Cytogenetic location: 1p21.2.
Variant type: single nucleotide variant.
Coding change: c.1423+1G>T on transcript NM_000642.3 (MANE Select); the canonical splice donor site of the intron after coding-DNA position 1423, G replaced by T.
Molecular consequence: splice donor variant.
Genome position (GRCh38, 1-based): chr1:99,876,598, G>T. VCF-style: chr1-99876598-G-T. GRCh37 (hg19) VCF-style: chr1-100342154-G-T.
Other names: c.1423+1G>T (NM_000644.3, NM_001425326.1, NM_001425325.1 and 2 more transcripts); c.1375+1G>T (NM_000646.3); c.1222+1G>T (NM_001425327.1); c.1219+1G>T (NM_001425328.1, NM_001425329.1); c.1045+1G>T (NM_001425332.1).
Identifiers: ClinVar variation 389650 (VCV000389650.8), dbSNP rs751952198, ClinGen allele CA16603714.

ClinVar aggregate classification (germline): Pathogenic/Likely pathogenic. Review status: criteria provided, multiple submitters, no conflicts (2 of 4 stars). 3 submissions from 3 submitters: Pathogenic (1); Likely pathogenic (2). Last evaluated 2023-04-11.

Conditions:
Glycogen storage disease type III (GSD3). Also called: FORBES DISEASE; Cori disease. Identifiers: Orphanet 366, MedGen C0017922, MONDO:0009291, OMIM 232400.

gnomAD v4.1: 3 of 1,613,930 alleles (0.00019%); highest among the groups gnomAD compares: Non-Finnish European, 0.00025%; no homozygotes.

Submissions (3):

Genome-Nilou Lab
Classification: Likely pathogenic for Glycogen storage disease type III. Last evaluated: 2023-04-11. Review status: criteria provided, single submitter. Criteria: ACMG Guidelines, 2015. Collection method: clinical testing. Allele origin: germline. Affected: no.

Labcorp Genetics (formerly Invitae), Labcorp
Classification: Pathogenic for Glycogen storage disease type III. Last evaluated: 2022-10-03. Review status: criteria provided, single submitter. Criteria: Invitae Variant Classification Sherloc (09022015). Collection method: clinical testing. Allele origin: germline.
Comment: For these reasons, this variant has been classified as Pathogenic. Algorithms developed to predict the effect of sequence changes on RNA splicing suggest that this variant may disrupt the consensus splice site. ClinVar contains an entry for this variant (Variation ID: 389650). Disruption of this splice site has been observed in individuals with glycogen storage disease (PMID: 26913919, 31028654). This variant is not present in population databases (gnomAD no frequency). This sequence change affects a donor splice site in intron 11 of the AGL gene. It is expected to disrupt RNA splicing. Variants that disrupt the donor or acceptor splice site typically lead to a loss of protein function (PMID: 16199547), and loss-of-function variants in AGL are known to be pathogenic (PMID: 19299494).

GeneDx
Classification: Likely pathogenic. Last evaluated: 2016-10-10. Review status: criteria provided, single submitter. Criteria: GeneDx Variant Classification (06012015). Collection method: clinical testing. Allele origin: germline. Affected: yes.
Comment: The c.1423+1G>T variant in the AGL gene has not been reported previously as a pathogenic variant nor as a benign variant, to our knowledge. This splice site variant destroys the canonical splice donor site for intron 11. It is predicted to cause abnormal gene splicing, either leading to an abnormal message that is subject to nonsense-mediated mRNA decay, or to an abnormal protein product if the message is used for protein translation. The c.1423+1G>T variant was not observed in approximately 6500 individuals of European and African American ancestry in the NHLBI Exome Sequencing Project, indicating it is not a common benign variant in these populations. The c.1423+1G>T variant is a strong candidate for a pathogenic variant, however the possibility it may be a rare benign variant cannot be excluded.

Literature cited by the submitters: PubMed 26913919 (cited by Labcorp Genetics (formerly Invitae), Labcorp); PubMed 31028654 (cited by Labcorp Genetics (formerly Invitae), Labcorp); PubMed 16199547 (cited by Labcorp Genetics (formerly Invitae), Labcorp); PubMed 19299494 (cited by Labcorp Genetics (formerly Invitae), Labcorp).